The following is an entry in ClinVar:

ClinVar aggregate classification (germline): Uncertain significance (1 of 4 stars; one submission).

Conditions:
Gorlin syndrome. Also called: Nevoid Basal Cell Carcinoma Syndrome; Basal cell nevus syndrome. Identifiers: Orphanet 377, MedGen C0004779, MONDO:0007187.

Submission:

Labcorp Genetics (formerly Invitae), Labcorp
Classification: Uncertain significance for Gorlin syndrome. Last evaluated: 2025-05-18. Review status: criteria provided, single submitter. Criteria: Invitae Variant Classification Sherloc (09022015). Collection method: clinical testing. Allele origin: germline.
Comment: This variant, c.1018_1020del, results in the deletion of 1 amino acid(s) of the PTCH1 protein (p.Glu340del), but otherwise preserves the integrity of the reading frame. This variant is not present in population databases (gnomAD no frequency). This variant has not been reported in the literature in individuals affected with PTCH1-related conditions. Experimental studies and prediction algorithms are not available or were not evaluated, and the functional significance of this variant is currently unknown. In summary, the available evidence is currently insufficient to determine the role of this variant in disease. Therefore, it has been classified as a Variant of Uncertain Significance.

NM_000264.5(PTCH1):c.1015GAG[1] (p.Glu340del)

Gene: PTCH1 (patched 1; minus strand). Cytogenetic location: 9q22.32.
Variant type: Microsatellite.
Coding change: c.1015GAG[1] on transcript NM_000264.5 (MANE Select); one copy of the 3-base unit GAG starting at c.1015; the reference has two copies in a row; one copy, 3 bases deleted.
Protein change: p.Glu340del; deletes glutamic acid 340.
Molecular consequence: non-coding transcript variant (on NR_149061.2).
Genome position (GRCh38, 1-based): chr9:95,480,016-95,480,018, CTC deleted on the plus strand (GAG on the coding strand, the reverse complement: PTCH1 is on the minus strand); deleting any 3 consecutive bases within chr9:95,480,016-95,480,023 gives the same sequence; the position shown is the placement nearest the transcript's 3' end. VCF-style (leftmost placement, unchanged base first): chr9-95480015-ACTC-A. GRCh37 (hg19) VCF-style: chr9-98242297-ACTC-A.
Other names: c.817GAG[1], p.Glu274del (NM_001083602.3); c.1012GAG[1], p.Glu339del (NM_001083603.3); c.562GAG[1], p.Glu189del (NM_001083604.3, NM_001083605.3, NM_001083606.3 and 1 more transcripts); c.1015GAG[1], p.Glu340del (NM_001354918.2); short protein forms E340del, E189del, E339del, E274del.
Identifiers: ClinVar variation 4770639 (VCV004770639.1).